The following is an entry in ClinVar:

ClinVar aggregate classification (germline): Uncertain significance (1 of 4 stars; one submission).

Submission:

Labcorp Genetics (formerly Invitae), Labcorp
Classification: Uncertain significance. Last evaluated: 2025-08-17. Review status: criteria provided, single submitter. Criteria: Invitae Variant Classification Sherloc (09022015). Collection method: clinical testing. Allele origin: germline.
Comment: This sequence change replaces glycine, which is neutral and non-polar, with aspartic acid, which is acidic and polar, at codon 177 of the HOXB13 protein (p.Gly177Asp). This variant is not present in population databases (gnomAD no frequency). This variant has not been reported in the literature in individuals affected with HOXB13-related conditions. Invitae Evidence Modeling of protein sequence and biophysical properties (such as structural, functional, and spatial information, amino acid conservation, physicochemical variation, residue mobility, and thermodynamic stability) indicates that this missense variant is not expected to disrupt HOXB13 protein function with a negative predictive value of 80%. In summary, the available evidence is currently insufficient to determine the role of this variant in disease. Therefore, it has been classified as a Variant of Uncertain Significance.

NM_006361.6(HOXB13):c.530G>A (p.Gly177Asp)

Gene: HOXB13 (homeobox B13; minus strand). Cytogenetic location: 17q21.32.
Variant type: single nucleotide variant.
Coding change: c.530G>A on transcript NM_006361.6 (MANE Select); coding-DNA position 530, G replaced by A.
Protein change: p.Gly177Asp; replaces glycine 177 with aspartic acid.
Molecular consequence: missense variant.
Genome position (GRCh38, 1-based): chr17:48,728,064, C>T on the plus strand (G>A on the coding strand, the complement: HOXB13 is on the minus strand). VCF-style: chr17-48728064-C-T. GRCh37 (hg19) VCF-style: chr17-46805426-C-T.
Other names: short protein forms G177D.
Identifiers: ClinVar variation 4744797 (VCV004744797.1).